The following is an entry in ClinVar:

ClinVar aggregate classification (germline): Likely benign. Review status: criteria provided, multiple submitters, no conflicts (2 of 4 stars). 2 submissions from 2 submitters: Likely benign (2). Last evaluated 2024-08-11.

Conditions:
Familial adenomatous polyposis 1 (FAP1). Also called: POLYPOSIS, ADENOMATOUS INTESTINAL; FAMILIAL ADENOMATOUS POLYPOSIS 1, ATTENUATED. Identifiers: MedGen C2713442, MONDO:0021056, OMIM 175100. Disease mechanism: loss of function.

gnomAD v4.1: 1 of 1,600,330 alleles (0.000062%); highest among the groups gnomAD compares: East Asian, 0.0022%; no homozygotes.

Submissions (2):

Labcorp Genetics (formerly Invitae), Labcorp
Classification: Likely benign for Familial adenomatous polyposis 1. Last evaluated: 2024-08-11. Review status: criteria provided, single submitter. Criteria: Invitae Variant Classification Sherloc (09022015). Collection method: clinical testing. Allele origin: germline.

Myriad Genetics, Inc.
Classification: Likely benign for Familial adenomatous polyposis 1. Last evaluated: 2024-02-27. Review status: criteria provided, single submitter. Criteria: Myriad Autosomal Dominant, Autosomal Recessive and X-Linked Classification Criteria (2023). Collection method: clinical testing. Allele origin: unknown.
Comment: This variant is considered likely benign. This variant is intronic and is not expected to impact mRNA splicing.

NM_000038.6(APC):c.835-12C>T

Gene: APC (APC regulator of Wnt signaling pathway; plus strand). Cytogenetic location: 5q22.2.
Variant type: single nucleotide variant.
Coding change: c.835-12C>T on transcript NM_000038.6 (MANE Select); 12 bases into the intron before coding-DNA position 835, C replaced by T.
Molecular consequence: intron variant.
Genome position (GRCh38, 1-based): chr5:112,815,483, C>T. VCF-style: chr5-112815483-C-T. GRCh37 (hg19) VCF-style: chr5-112151180-C-T.
Other names: c.-15-12C>T (NM_001407470.1, NM_001407472.1, NM_001354906.2 and 1 more transcripts); c.835-12C>T (NM_001407447.1, NM_001354895.2, NM_001407456.1 and 12 more transcripts); c.751-12C>T (NM_001407452.1, NM_001407469.1, NM_001354899.2 and 1 more transcripts); c.865-12C>T (NM_001407446.1, NM_001354897.2, NM_001354902.2); c.781-12C>T (NM_001127511.3); c.658-12C>T (NM_001407453.1, NM_001354900.2, NM_001354901.2 and 1 more transcripts); c.760-12C>T (NM_001407451.1, NM_001354898.2, NM_001354904.2).
Identifiers: ClinVar variation 3148056 (VCV003148056.3), dbSNP rs1187134559, ClinGen allele CA561903210.